The following is an entry in ClinVar:

NM_000298.6(PKLR):c.1484C>T (p.Ala495Val)

Gene: PKLR (pyruvate kinase L/R; minus strand). Cytogenetic location: 1q22.
Variant type: single nucleotide variant.
Coding change: c.1484C>T on transcript NM_000298.6 (MANE Select); coding-DNA position 1484, C replaced by T.
Protein change: p.Ala495Val; replaces alanine 495 with valine.
Molecular consequence: missense variant.
Genome position (GRCh38, 1-based): chr1:155,291,890, G>A on the plus strand (C>T on the coding strand, the complement: PKLR is on the minus strand). VCF-style: chr1-155291890-G-A. GRCh37 (hg19) VCF-style: chr1-155261681-G-A.
Other names: c.1391C>T, p.Ala464Val (NM_181871.4); short protein forms A464V, A495V.
Identifiers: ClinVar variation 2063906 (VCV002063906.27), dbSNP rs141560532, ClinGen allele CA1143983.
Genomic context (GRCh38, chr1:155,291,890, plus strand): 5'-AAGGGGAAGACTCCTCGGCATAAGTGGACCTGGCGGGCAGCCTGGGCAGAGCGGGTGACA[G>A]CAATGACTGCTGCCCGAGGTCGGTACCGAGACAGAAGCTGGGCTGAGCTGGAGGAGGCAG-3'
Protein context (NP_000289.1, residues 485-505): SRYRPRAAVI[Ala495Val]VTRSAQAARQ

ClinVar aggregate classification (germline): Pathogenic. Review status: criteria provided, multiple submitters, no conflicts (2 of 4 stars). 4 submissions from 4 submitters: Pathogenic (4). Last evaluated 2024-11-04.

Conditions:
PKLR-related disorder. Also called: PKLR-related condition.

Allele frequency attached by ClinVar (database versions not stated): ExAC 0.00004; gnomAD 0.00005; TOPMed 0.00007; gnomAD exomes 0.00009; ESP Exome Variant Server 0.00015.
gnomAD v4.1: 151 of 1,613,820 alleles (0.0094%); highest among the groups gnomAD compares: Non-Finnish European, 0.011%; no homozygotes.

Submissions (4):

Revvity Omics, Revvity
Classification: Pathogenic. Last evaluated: 2024-11-04. Review status: criteria provided, single submitter. Criteria: ACMG Guidelines, 2015. Collection method: clinical testing. Allele origin: germline.

Blueprint Genetics
Classification: Pathogenic for PKLR-related disorders. Last evaluated: 2024-10-22. Review status: criteria provided, single submitter. Criteria: ACMG Guidelines, 2015. Collection method: clinical testing. Allele origin: germline. Affected: yes. Observed: 5 variant alleles.

CeGaT Center for Human Genetics Tuebingen
Classification: Pathogenic. Last evaluated: 2024-05-01. Review status: criteria provided, single submitter. Criteria: CeGaT Center For Human Genetics Tuebingen Variant Classification Criteria Version 2. Collection method: clinical testing. Allele origin: germline. Affected: yes. Observed: 1 variant allele.
Comment: PKLR: PM3:Strong, PM1, PM2, PP3, PP4

Labcorp Genetics (formerly Invitae), Labcorp
Classification: Pathogenic. Last evaluated: 2022-03-11. Review status: criteria provided, single submitter. Criteria: Invitae Variant Classification Sherloc (09022015). Collection method: clinical testing. Allele origin: germline.
Comment: For these reasons, this variant has been classified as Pathogenic. Algorithms developed to predict the effect of missense changes on protein structure and function are either unavailable or do not agree on the potential impact of this missense change (SIFT: "Tolerated"; PolyPhen-2: "Probably Damaging"; Align-GVGD: "Class C0"). This missense change has been observed in individual(s) with pyruvate kinase deficiency (PMID: 8483951, 17574881, 32761227). This variant is present in population databases (rs141560532, gnomAD 0.01%). This sequence change replaces alanine, which is neutral and non-polar, with valine, which is neutral and non-polar, at codon 495 of the PKLR protein (p.Ala495Val).

Literature cited by the submitters: PubMed 8483951 (cited by Labcorp Genetics (formerly Invitae), Labcorp); PubMed 17574881 (cited by Labcorp Genetics (formerly Invitae), Labcorp); PubMed 32761227 (cited by Labcorp Genetics (formerly Invitae), Labcorp).